The following is an entry in ClinVar:

NM_005027.4(PIK3R2):c.1040C>A (p.Thr347Asn)

Gene: PIK3R2 (phosphoinositide-3-kinase regulatory subunit 2; plus strand). Cytogenetic location: 19p13.11.
Variant type: single nucleotide variant.
Coding change: c.1040C>A on transcript NM_005027.4 (MANE Select); coding-DNA position 1040, C replaced by A.
Protein change: p.Thr347Asn; replaces threonine 347 with asparagine.
Molecular consequence: missense variant. On other transcripts: non-coding transcript variant (2).
Genome position (GRCh38, 1-based): chr19:18,162,437, C>A. VCF-style: chr19-18162437-C-A. GRCh37 (hg19) VCF-style: chr19-18273247-C-A.
Other names: short protein forms T347N.
Identifiers: ClinVar variation 4874968 (VCV004874968.2).

ClinVar aggregate classification (germline): Uncertain significance (1 of 4 stars; one submission).

Submission:

CeGaT Center for Human Genetics Tuebingen
Classification: Uncertain significance. Last evaluated: 2026-05-01. Review status: criteria provided, single submitter. Criteria: CeGaT Center For Human Genetics Tuebingen Variant Classification Criteria Version 2. Collection method: clinical testing. Allele origin: germline. Affected: yes. Observed: 1 variant allele.
Comment: PIK3R2: PM2, PP3